The following is an entry in ClinVar:

NM_001012426.2(FOXP4):c.1991C>G (p.Pro664Arg)

Gene: FOXP4 (forkhead box P4; plus strand). Cytogenetic location: 6p21.1.
Variant type: single nucleotide variant.
Coding change: c.1991C>G on transcript NM_001012426.2 (MANE Select); coding-DNA position 1991, C replaced by G.
Protein change: p.Pro664Arg; replaces proline 664 with arginine.
Molecular consequence: missense variant.
Genome position (GRCh38, 1-based): chr6:41,598,884, C>G. VCF-style: chr6-41598884-C-G. GRCh37 (hg19) VCF-style: chr6-41566622-C-G.
Other names: c.1985C>G, p.Pro662Arg (NM_001012427.2); c.1955C>G, p.Pro652Arg (NM_001405824.1); c.1895C>G, p.Pro632Arg (NM_001405825.1); c.1859C>G, p.Pro620Arg (NM_001405826.1); c.1952C>G, p.Pro651Arg (NM_138457.3); short protein forms P620R, P632R, P651R, P652R, P662R, P664R.
Identifiers: ClinVar variation 5018109 (VCV005018109.1).
Genomic context (GRCh38, chr6:41,598,884, plus strand): 5'-CAGAGGAAGACAGGCAGCCCGGGCCTCCCCTGGGCGCCCCTAACCCCAGCGCCTCGGGGC[C>G]TCCGGAAGACAGGGACCTGGAGGAGGAGCTGCCGGGAGAAGAACTGTCCTAAGGGCCTGT-3'
Protein context (NP_001012426.1, residues 654-674): LGAPNPSASG[Pro664Arg]PEDRDLEEEL

ClinVar aggregate classification (germline): Uncertain significance (1 of 4 stars; one submission).

Submission:

GeneDx
Classification: Uncertain significance. Last evaluated: 2026-04-01. Review status: criteria provided, single submitter. Criteria: GeneDx Variant Classification Process June 2021. Collection method: clinical testing. Allele origin: germline.
Comment: Not observed at significant frequency in large population cohorts (gnomAD); In silico analysis suggests that this missense variant does not alter protein structure/function; Has not been previously published as pathogenic or benign to our knowledge